The following is an entry in ClinVar:

NM_004385.5(VCAN):c.3035T>C (p.Leu1012Pro)

Gene: VCAN (versican; plus strand). Cytogenetic location: 5q14.3.
Variant type: single nucleotide variant.
Coding change: c.3035T>C on transcript NM_004385.5 (MANE Select); coding-DNA position 3035, T replaced by C.
Protein change: p.Leu1012Pro; replaces leucine 1012 with proline.
Molecular consequence: missense variant. On other transcripts: intron variant (2).
Genome position (GRCh38, 1-based): chr5:83,521,341, T>C. VCF-style: chr5-83521341-T-C. GRCh37 (hg19) VCF-style: chr5-82817160-T-C.
Other names: c.3035T>C, p.Leu1012Pro (NM_001164098.2); c.1042+8945T>C (NM_001164097.2, NM_001126336.3); short protein forms L1012P.
Identifiers: ClinVar variation 4712714 (VCV004712714.1).

ClinVar aggregate classification (germline): Uncertain significance (1 of 4 stars; one submission).

gnomAD v4.1: 3 of 1,614,122 alleles (0.00019%); highest among the groups gnomAD compares: South Asian, 0.0033%; no homozygotes.

Submission:

Labcorp Genetics (formerly Invitae), Labcorp
Classification: Uncertain significance. Last evaluated: 2025-02-10. Review status: criteria provided, single submitter. Criteria: Invitae Variant Classification Sherloc (09022015). Collection method: clinical testing. Allele origin: germline.
Comment: This sequence change replaces leucine, which is neutral and non-polar, with proline, which is neutral and non-polar, at codon 1012 of the VCAN protein (p.Leu1012Pro). This variant is not present in population databases (gnomAD no frequency). This variant has not been reported in the literature in individuals affected with VCAN-related conditions. An algorithm developed to predict the effect of missense changes on protein structure and function outputs the following: PolyPhen-2: "Benign". The proline amino acid residue is found in multiple mammalian species, which suggests that this missense change does not adversely affect protein function. In summary, the available evidence is currently insufficient to determine the role of this variant in disease. Therefore, it has been classified as a Variant of Uncertain Significance.